The following is an entry in ClinVar:

NM_014727.3(KMT2B):c.470A>G (p.Lys157Arg)

Gene: KMT2B (lysine methyltransferase 2B; plus strand). Cytogenetic location: 19q13.12.
Variant type: single nucleotide variant.
Coding change: c.470A>G on transcript NM_014727.3 (MANE Select); coding-DNA position 470, A replaced by G.
Protein change: p.Lys157Arg; replaces lysine 157 with arginine.
Molecular consequence: missense variant.
Genome position (GRCh38, 1-based): chr19:35,719,817, A>G. VCF-style: chr19-35719817-A-G. GRCh37 (hg19) VCF-style: chr19-36210719-A-G.
Other names: short protein forms K157R.
Identifiers: ClinVar variation 3343209 (VCV003343209.2).

ClinVar aggregate classification (germline): Uncertain significance (1 of 4 stars; one submission).

gnomAD v4.1: 12 of 1,607,972 alleles (0.00075%); highest among the groups gnomAD compares: Non-Finnish European, 0.001%; no homozygotes.

Submission:

GeneDx
Classification: Uncertain significance. Last evaluated: 2026-04-02. Review status: criteria provided, single submitter. Criteria: GeneDx Variant Classification Process June 2021. Collection method: clinical testing. Allele origin: germline.
Comment: Not observed at significant frequency in large population cohorts (gnomAD); In silico analysis suggests that this missense variant does not alter protein structure/function; Has not been previously published as pathogenic or benign to our knowledge; In silico analysis is inconclusive as to whether the variant alters gene splicing. In the absence of RNA/functional studies, the actual effect of this sequence change is unknown.